The following is an entry in ClinVar:

ClinVar aggregate classification (germline): Uncertain significance (1 of 4 stars; one submission).

Conditions:
Hereditary cancer-predisposing syndrome. Also called: Hereditary neoplastic syndrome; Hereditary Cancer Syndrome; Neoplastic Syndromes, Hereditary; Tumor predisposition. Identifiers: Orphanet 140162, MedGen C0027672, MeSH D009386, MONDO:0015356.

gnomAD v4.1: 1 of 1,613,894 alleles (0.000062%); highest among the groups gnomAD compares: Non-Finnish European, 0.000085%; no homozygotes.

Submission:

Ambry Genetics
Classification: Uncertain significance for Hereditary cancer-predisposing syndrome. Last evaluated: 2021-09-11. Review status: criteria provided, single submitter. Criteria: Ambry Variant Classification Scheme 2023. Collection method: clinical testing. Allele origin: germline.
Comment: The p.A265S variant (also known as c.793G>T), located in coding exon 7 of the NBN gene, results from a G to T substitution at nucleotide position 793. The alanine at codon 265 is replaced by serine, an amino acid with similar properties. This amino acid position is not well conserved in available vertebrate species. In addition, this alteration is predicted to be tolerated by in silico analysis. Since supporting evidence is limited at this time, the clinical significance of this alteration remains unclear.

NM_002485.5(NBN):c.793G>T (p.Ala265Ser)

Gene: NBN (nibrin; minus strand). Cytogenetic location: 8q21.3.
Variant type: single nucleotide variant.
Coding change: c.793G>T on transcript NM_002485.5 (MANE Select); coding-DNA position 793, G replaced by T.
Protein change: p.Ala265Ser; replaces alanine 265 with serine.
Molecular consequence: missense variant.
Genome position (GRCh38, 1-based): chr8:89,970,467, C>A on the plus strand (G>T on the coding strand, the complement: NBN is on the minus strand). VCF-style: chr8-89970467-C-A. GRCh37 (hg19) VCF-style: chr8-90982695-C-A.
Other names: c.547G>T, p.Ala183Ser (NM_001024688.3); short protein forms A265S, A183S.
Identifiers: ClinVar variation 230093 (VCV000230093.5), dbSNP rs876658382, ClinGen allele CA10578792.